The following is an entry in ClinVar:

NM_001278716.2(FBXL4):c.661G>C (p.Asp221His)

Gene: FBXL4 (F-box and leucine rich repeat protein 4; minus strand). Cytogenetic location: 6q16.2.
Variant type: single nucleotide variant.
Coding change: c.661G>C on transcript NM_001278716.2 (MANE Select); coding-DNA position 661, G replaced by C.
Protein change: p.Asp221His; replaces aspartic acid 221 with histidine.
Molecular consequence: missense variant.
Genome position (GRCh38, 1-based): chr6:98,917,571, C>G on the plus strand (G>C on the coding strand, the complement: FBXL4 is on the minus strand). VCF-style: chr6-98917571-C-G. GRCh37 (hg19) VCF-style: chr6-99365447-C-G.
Other names: c.661G>C, p.Asp221His (NM_012160.5); short protein forms D221H.
Identifiers: ClinVar variation 437472 (VCV000437472.1), dbSNP rs1554221191, ClinGen allele CA16021015.

ClinVar aggregate classification (germline): Likely pathogenic (1 of 4 stars; one submission).

Conditions:
Mitochondrial DNA depletion syndrome 13. Also called: FBXL4-Related Encephalomyopathic Mitochondrial DNA Depletion Syndrome; Mitochondrial DNA depletion syndrome 13 (encephalomyopathic type). Identifiers: Orphanet 369897, MedGen C3809592, MONDO:0014198, OMIM 615471.

Allele frequency attached by ClinVar (database versions not stated): gnomAD exomes below 0.00001.
gnomAD v4.1: 1 of 1,614,020 alleles (0.000062%); highest among the groups gnomAD compares: Non-Finnish European, 0.000085%; no homozygotes.

Submission:

Wong Mito Lab, Molecular and Human Genetics, Baylor College of Medicine
Classification: Likely pathogenic for Mitochondrial DNA depletion syndrome 13. Last evaluated: 2017-08-10. Review status: criteria provided, single submitter. Criteria: ACMG Guidelines, 2015. Collection method: clinical testing. Allele origin: germline. Affected: yes.
Comment: The NM_012160.4:c.661G>C (NP_036292.2:p.Asp221His) [GRCH38: NC_000006.12:g.98917571C>G] variant in FBXL4 gene is interpretated to be a Likely Pathogenic based on ACMG guidelines (PMID: 25741868). This variant has been reported in PMID:25868664 . This variant meets one or more of the following evidence codes reported in the ACMG-guideline. PM2:This variant is absent in key population databases. PM3:Detected in trans with a pathogenic variant for Mitochondrial DNA depletion syndrome 13 which is a recessive disorder. PP2:This is a missense variant in FBXL4 with a low rate of benign and high rate of pathogenic missense variations. PP3:Computational evidence/predictors indicate the variant has deleterious effect on FBXL4 structure, function, or protein-protein interaction. PP4:Patientâ€™s phenotype or family history is highly specific for FBXL4. PP5:Reputable source(s) suggest that the variant is pathogenic. Based on this evidence code ClinGen Pathogenicity Calculator (PMID:28081714) suggested that the variant is Likely Pathogenic.

Literature cited by the submitters: PubMed 25868664.